The following is an entry in ClinVar:

ClinVar aggregate classification (germline): Pathogenic (1 of 4 stars; one submission).

Conditions:
Primary ciliary dyskinesia. Also called: Ciliary dyskinesia. Identifiers: Orphanet 244, MedGen C0008780, MONDO:0016575, HP:0012265.

Submission:

Labcorp Genetics (formerly Invitae), Labcorp
Classification: Pathogenic for Primary ciliary dyskinesia. Last evaluated: 2023-08-04. Review status: criteria provided, single submitter. Criteria: Invitae Variant Classification Sherloc (09022015). Collection method: clinical testing. Allele origin: germline.
Comment: For these reasons, this variant has been classified as Pathogenic. This variant has not been reported in the literature in individuals affected with DNAH5-related conditions. This variant is not present in population databases (gnomAD no frequency). This sequence change creates a premature translational stop signal (p.Asn3870Ilefs*6) in the DNAH5 gene. It is expected to result in an absent or disrupted protein product. Loss-of-function variants in DNAH5 are known to be pathogenic (PMID: 11788826, 16627867).

Literature cited by the submitters: PubMed 11788826; PubMed 16627867.

NM_001369.3(DNAH5):c.11609del (p.Asn3870fs)

Gene: DNAH5 (dynein axonemal heavy chain 5; minus strand). Cytogenetic location: 5p15.2.
Variant type: Deletion.
Coding change: c.11609del on transcript NM_001369.3 (MANE Select); coding-DNA position 11609, one base deleted (A; older notation c.11609delA).
Protein change: p.Asn3870fs; shifts the reading frame from asparagine 3870.
Molecular consequence: frameshift variant.
Genome position (GRCh38, 1-based): chr5:13,735,283, T deleted on the plus strand (A on the coding strand, the reverse complement: DNAH5 is on the minus strand); the first of 2 consecutive T bases (chr5:13,735,283-13,735,284); deleting either gives the same sequence. VCF-style (leftmost placement, unchanged base first): chr5-13735282-AT-A. GRCh37 (hg19) VCF-style: chr5-13735391-AT-A.
Other names: short protein forms N3870fs.
Identifiers: ClinVar variation 2750081 (VCV002750081.3), dbSNP rs2546561591, ClinGen allele CA2697547022.
Genomic context (GRCh38, chr5:13,735,282, plus strand): 5'-CTCCTCGTACAGCCCTCGGGCAGCATACTTATAAACCTCGTAGGTCATGTGCTCGATGAT[AT>A]TAGCAATCCTCTTGCTTGTAATCGGGCTCTTGACAGACCTGGTGAATAGAATATTTAAAT-3'